The following is an entry in ClinVar:

ClinVar aggregate classification (germline): Benign/Likely benign. Review status: criteria provided, multiple submitters, no conflicts (2 of 4 stars). 4 submissions from 4 submitters: Benign (1); Likely benign (3). Last evaluated 2024-11-24.

Conditions:
Cardiovascular phenotype. Identifiers: MedGen CN230736.

Submissions (4):

Blueprint Genetics
Classification: Likely benign. Last evaluated: 2024-11-24. Review status: criteria provided, single submitter. Criteria: ACMG Guidelines, 2015. Collection method: clinical testing. Allele origin: germline.

Women's Health and Genetics/Laboratory Corporation of America, LabCorp
Classification: Likely benign. Last evaluated: 2020-03-02. Review status: criteria provided, single submitter. Criteria: LabCorp Variant Classification Summary - May 2015. Collection method: clinical testing. Allele origin: germline.
Comment: Variant summary: The variant in ALMS1, c.60_74dup15 (p.Glu24_Glu28dup) results in an in-frame duplication in a Glu repetitive region of the ALMS1 protein (Glu13_Glu28). The variant was absent in 83366 control chromosomes (gnomAD). The available data on variant occurrences in the general population are insufficient to allow any conclusion about variant significance. To our knowledge, no occurrence of c.60_74dup15 in individuals affected with Cardiomyopathy and no experimental evidence demonstrating its impact on protein function have been reported. Furthermore, there are no reports of other variants in this Glu repetitive region in the HGMD database. One clinical diagnostic laboratory has submitted clinical-significance assessments for this variant to ClinVar after 2014 without evidence for independent evaluation and classified the variant as benign. Oher duplication variants located in this Glu repetitive region (examples: p.Glu26_Glu28dup, p.Glu23_Glu24dup, p.Glu24dup) have been classified as benign by our laboratory. Based on the evidence outlined above, the variant was classified as likely benign.

Ambry Genetics
Classification: Benign for Cardiovascular phenotype. Last evaluated: 2019-06-28. Review status: criteria provided, single submitter. Criteria: Ambry Variant Classification Scheme 2023. Collection method: clinical testing. Allele origin: germline.

PreventionGenetics, part of Exact Sciences
Classification: Likely benign. Review status: criteria provided, single submitter. Criteria: ACMG Guidelines, 2015. Collection method: clinical testing. Allele origin: germline.

NM_001378454.1(ALMS1):c.36GGA[19] (p.Glu23_Glu28dup)

Gene: ALMS1 (ALMS1 centrosome and basal body associated protein; plus strand). Cytogenetic location: 2p13.1.
Variant type: Microsatellite.
Coding change: c.36GGA[19] on transcript NM_001378454.1 (MANE Select); 19 copies in a row of the 3-base unit GGA starting at c.36; the reference has 13 copies in a row; six copies, 18 bases duplicated.
Protein change: p.Glu23_Glu28dup.
Molecular consequence: inframe insertion.
Genome position (GRCh38, 1-based): chr2:73,385,925-73,385,942, GGAGGAGGAGGAGGAGGA duplicated; duplicating any 18 consecutive bases within chr2:73,385,904-73,385,942 gives the same sequence; the position shown is the placement nearest the transcript's 3' end. VCF-style (leftmost placement, unchanged base first): chr2-73385903-T-TGGAGGAGGAGGAGGAGGA. GRCh37 (hg19) VCF-style: chr2-73613031-T-TGGAGGAGGAGGAGGAGGA.
Other names: c.36GGA[20], p.Glu24_Glu29dup (NM_015120.4); c.60_74dupGGAGGAGGAGGAGGA (NM_015120.4).
Identifiers: ClinVar variation 459877 (VCV000459877.8), dbSNP rs55889738, ClinGen allele CA10582100.
Genomic context (GRCh38, chr2:73,385,903, plus strand): 5'-TCTGCCGCCCAGAGCGAGACACCAACATGGAGCCCGAGGATCTGCCATGGCCGGGCGAGC[T>TGGAGGAGGAGGAGGAGGA]GGAGGAGGAGGAGGAGGAGGAGGAGGAGGAGGAGGAGGAAGAGGAGGAGGCTGCAGCGGC-3'